The following is an entry in ClinVar:

ClinVar aggregate classification (germline): Conflicting classifications of pathogenicity. Review status: criteria provided, conflicting classifications (1 of 4 stars). 4 submissions from 2 submitters: Uncertain significance (2); Likely benign (2). Last evaluated 2025-08-09.

Conditions:
Hereditary spherocytosis type 3. Also called: Spherocytosis type 3; SPTA1-Related Spherocytosis. Identifiers: Orphanet 822, MedGen C2678338, MONDO:0010053, OMIM 270970.
Elliptocytosis 2 (EL2). Also called: ELLIPTOCYTOSIS, RHESUS-UNLINKED TYPE. Identifiers: Orphanet 288, MedGen C1851741, MONDO:0007533, OMIM 130600.
Pyropoikilocytosis, hereditary. Also called: Pyropoikilocytosis. Identifiers: MedGen C0520739, MONDO:0009948, OMIM 266140, HP:0004839. Disease mechanism: loss of function.

Allele frequency attached by ClinVar (database versions not stated): ExAC 0.00002; gnomAD exomes 0.00002; gnomAD 0.00003 and 0.00004; 1000 Genomes Project 30x 0.00031; 1000 Genomes Project 0.00040.
gnomAD v4.1: 24 of 1,613,674 alleles (0.0015%); highest among the groups gnomAD compares: African/African-American, 0.0067%; no homozygotes.

Submissions (4):

Labcorp Genetics (formerly Invitae), Labcorp
Classification: Likely benign. Last evaluated: 2025-08-09. Review status: criteria provided, single submitter. Criteria: Invitae Variant Classification Sherloc (09022015). Collection method: clinical testing. Allele origin: germline.

Illumina Laboratory Services, Illumina
Classification: Uncertain significance for Pyropoikilocytosis, hereditary. Last evaluated: 2018-01-13. Review status: criteria provided, single submitter. Criteria: ICSL Variant Classification Criteria 13 December 2019. Collection method: clinical testing. Allele origin: germline.

Illumina Laboratory Services, Illumina
Classification: Uncertain significance for Hereditary spherocytosis type 3. Last evaluated: 2018-01-13. Review status: criteria provided, single submitter. Criteria: ICSL Variant Classification Criteria 13 December 2019. Collection method: clinical testing. Allele origin: germline.

Illumina Laboratory Services, Illumina
Classification: Likely benign for Elliptocytosis 2. Last evaluated: 2018-01-13. Review status: criteria provided, single submitter. Criteria: ICSL Variant Classification Criteria 13 December 2019. Collection method: clinical testing. Allele origin: germline.
Comment: This variant was observed in the ICSL laboratory as part of a predisposition screen in an ostensibly healthy population. It had not been previously curated by ICSL or reported in the Human Gene Mutation Database (HGMD: prior to June 1st, 2018), and was therefore a candidate for classification through an automated scoring system. Utilizing variant allele frequency, disease prevalence and penetrance estimates, and inheritance mode, an automated score was calculated to assess if this variant is too frequent to cause the disease. Based on the score and internal cut-off values, a variant classified as likely benign is not then subjected to further curation. The score for this variant resulted in a classification of likely benign for this disease.

NM_003126.4(SPTA1):c.2971C>T (p.Arg991Cys)

Gene: SPTA1 (spectrin alpha, erythrocytic 1; minus strand). Cytogenetic location: 1q23.1.
Variant type: single nucleotide variant.
Coding change: c.2971C>T on transcript NM_003126.4 (MANE Select); coding-DNA position 2971, C replaced by T.
Protein change: p.Arg991Cys; replaces arginine 991 with cysteine.
Molecular consequence: missense variant.
Genome position (GRCh38, 1-based): chr1:158,654,676, G>A on the plus strand (C>T on the coding strand, the complement: SPTA1 is on the minus strand). VCF-style: chr1-158654676-G-A. GRCh37 (hg19) VCF-style: chr1-158624466-G-A.
Other names: short protein forms R991C.
Identifiers: ClinVar variation 873678 (VCV000873678.5), dbSNP rs565611676, ClinGen allele CA1183219.
Genomic context (GRCh38, chr1:158,654,676, plus strand): 5'-TGATGGAACTGAGCAGCGTTAAGACATCACCTTTCTTCATGGTGACTTCTCGGGGGCTGC[G>A]GGCCTGGAAGTCATATAAAGCCATGACCCTTTGTTCTCCAGCAACTCCCTCCACTGGTGC-3'
Protein context (NP_003117.2, residues 981-1001): RVMALYDFQA[Arg991Cys]SPREVTMKKG